The following is an entry in ClinVar:

ClinVar aggregate classification (germline): Benign/Likely benign. Review status: criteria provided, multiple submitters, no conflicts (2 of 4 stars). 2 submissions from 2 submitters: Benign (1); Likely benign (1). Last evaluated 2026-08-03.

Conditions:
Familial colorectal cancer type X. Identifiers: Orphanet 440437, MedGen C3896578, MONDO:0018604.

Submissions (2):

Myriad Genetics, Inc.
Classification: Benign for Familial colorectal cancer type X. Last evaluated: 2026-08-03. Review status: criteria provided, single submitter. Criteria: Myriad Autosomal Dominant, Autosomal Recessive and X-Linked Classification Criteria (2023). Collection method: clinical testing. Allele origin: unknown.
Comment: This variant is considered benign. This variant is a silent/synonymous amino acid change and it is not expected to impact splicing.

Ambry Genetics
Classification: Likely benign. Last evaluated: 2021-10-06. Review status: criteria provided, single submitter. Criteria: Ambry Variant Classification Scheme 2023. Collection method: clinical testing. Allele origin: germline.

NM_001023.4(RPS20):c.228G>C (p.Thr76=)

Gene: RPS20 (ribosomal protein S20; minus strand). Cytogenetic location: 8q12.1.
Variant type: single nucleotide variant.
Coding change: c.228G>C on transcript NM_001023.4 (MANE Select); coding-DNA position 228, G replaced by C.
Protein change: p.Thr76=; no amino-acid change (threonine 76 retained).
Molecular consequence: synonymous variant.
Genome position (GRCh38, 1-based): chr8:56,073,222, C>G on the plus strand (G>C on the coding strand, the complement: RPS20 is on the minus strand). VCF-style: chr8-56073222-C-G. GRCh37 (hg19) VCF-style: chr8-56985781-C-G.
Other names: c.228G>C, p.Thr76= (NM_001146227.3).
Identifiers: ClinVar variation 1789082 (VCV001789082.3), dbSNP rs540124601, ClinGen allele CA460824054.